The following is an entry in ClinVar:

ClinVar aggregate classification (germline): Uncertain significance. Review status: criteria provided, multiple submitters, no conflicts (2 of 4 stars). 2 submissions from 2 submitters: Uncertain significance (2). Last evaluated 2020-12-18.

Conditions:
Charcot-Marie-Tooth disease type 2. Also called: Charcot-Marie-Tooth type 2. Identifiers: Orphanet 64746, MedGen C0270914, MONDO:0018993.

Allele frequency attached by ClinVar (database versions not stated): gnomAD exomes 0.00001.
gnomAD v4.1: 16 of 1,613,534 alleles (0.00099%); highest among the groups gnomAD compares: Non-Finnish European, 0.0012%; no homozygotes.

Submissions (2):

Ambry Genetics
Classification: Uncertain significance. Last evaluated: 2020-12-18. Review status: criteria provided, single submitter. Criteria: Ambry Variant Classification Scheme 2023. Collection method: clinical testing. Allele origin: germline.
Comment: The p.F285L variant (also known as c.855C>G), located in coding exon 7 of the GARS gene, results from a C to G substitution at nucleotide position 855. The phenylalanine at codon 285 is replaced by leucine, an amino acid with highly similar properties. This amino acid position is not well conserved in available vertebrate species. In addition, this alteration is predicted to be tolerated by in silico analysis. Since supporting evidence is limited at this time, the clinical significance of this alteration remains unclear.

Labcorp Genetics (formerly Invitae), Labcorp
Classification: Uncertain significance for Charcot-Marie-Tooth disease type 2. Last evaluated: 2017-07-08. Review status: criteria provided, single submitter. Criteria: Invitae Variant Classification Sherloc (09022015). Collection method: clinical testing. Allele origin: germline.
Comment: This variant has not been reported in the literature in individuals with GARS-related disease. ClinVar contains an entry for this variant (Variation ID: 188141). In summary, the available evidence is currently insufficient to determine the role of this variant in disease. Therefore, it has been classified as a Variant of Uncertain Significance. Algorithms developed to predict the effect of missense changes on protein structure and function (SIFT, PolyPhen-2, Align-GVGD) all suggest that this variant is likely to be tolerated, but these predictions have not been confirmed by published functional studies and their clinical significance is uncertain. This variant is not present in population databases (ExAC no frequency). This sequence change replaces phenylalanine with leucine at codon 285 of the GARS protein (p.Phe285Leu). The phenylalanine residue is weakly conserved and there is a small physicochemical difference between phenylalanine and leucine.

NM_002047.4(GARS1):c.855C>G (p.Phe285Leu)

Gene: GARS1 (glycyl-tRNA synthetase 1; plus strand). Cytogenetic location: 7p14.3.
Variant type: single nucleotide variant.
Coding change: c.855C>G on transcript NM_002047.4 (MANE Select); coding-DNA position 855, C replaced by G.
Protein change: p.Phe285Leu; replaces phenylalanine 285 with leucine.
Molecular consequence: missense variant.
Genome position (GRCh38, 1-based): chr7:30,609,704, C>G. VCF-style: chr7-30609704-C-G. GRCh37 (hg19) VCF-style: chr7-30649320-C-G.
Other names: c.855C>G (LRG_243t1); c.693C>G, p.Phe231Leu (NM_001316772.1); short protein forms F285L, F231L.
Identifiers: ClinVar variation 188141 (VCV000188141.10), dbSNP rs786204099, ClinGen allele CA334151.
Genomic context (GRCh38, chr7:30,609,704, plus strand): 5'-TCCCATTACTGGAAATGATCTATCCCCTCCAGTGTCTTTTAACTTAATGTTCAAGACTTT[C>G]ATTGGGCCTGGAGGAAACATGCCTGGGTATGTATCACTTATTGTTTACCTGTTTATGTAA-3'
Protein context (NP_002038.2, residues 275-295): PVSFNLMFKT[Phe285Leu]IGPGGNMPGY